The following is an entry in ClinVar:

NM_004336.5(BUB1):c.2535G>C (p.Met845Ile)

Gene: BUB1 (BUB1 mitotic checkpoint serine/threonine kinase; minus strand). Cytogenetic location: 2q13.
Variant type: single nucleotide variant.
Coding change: c.2535G>C on transcript NM_004336.5 (MANE Select); coding-DNA position 2535, G replaced by C.
Protein change: p.Met845Ile; replaces methionine 845 with isoleucine.
Molecular consequence: missense variant.
Genome position (GRCh38, 1-based): chr2:110,641,732, C>G on the plus strand (G>C on the coding strand, the complement: BUB1 is on the minus strand). VCF-style: chr2-110641732-C-G. GRCh37 (hg19) VCF-style: chr2-111399309-C-G.
Other names: c.2475G>C, p.Met825Ile (NM_001278616.2); c.2535G>C, p.Met845Ile (NM_001278617.2); short protein forms M845I, M825I.
Identifiers: ClinVar variation 3483036 (VCV003483036.1).

ClinVar aggregate classification (germline): Uncertain significance (1 of 4 stars; one submission).

gnomAD v4.1: 1 of 1,612,256 alleles (0.000062%); highest among the groups gnomAD compares: African/African-American, 0.0013%; no homozygotes.

Submission:

Ambry Genetics
Classification: Uncertain significance. Last evaluated: 2024-08-08. Review status: criteria provided, single submitter. Criteria: Ambry Variant Classification Scheme 2023. Collection method: clinical testing. Allele origin: germline.
Comment: The p.M845I variant (also known as c.2535G>C), located in coding exon 21 of the BUB1 gene, results from a G to C substitution at nucleotide position 2535. The methionine at codon 845 is replaced by isoleucine, an amino acid with highly similar properties. This amino acid position is conserved. In addition, this alteration is predicted to be tolerated by in silico analysis. Based on the available evidence, the clinical significance of this variant remains unclear.